The following is an entry in ClinVar:

ClinVar aggregate classification (germline): Pathogenic (1 of 4 stars; one submission).

Conditions:
Tay-Sachs disease (TSD). Also called: HEXA DEFICIENCY; HEXA Disorders; GM2 gangliosidosis, type 1; Hexosaminidase alpha-subunit deficiency (variant B); Sphingolipidosis, Tay-Sachs; Hexosaminidase A Deficiency. Identifiers: Orphanet 845, MedGen C0039373, MONDO:0010100, OMIM 272800.

Submission:

Natera, Inc.
Classification: Pathogenic for Tay-Sachs disease. Last evaluated: 2025-08-14. Review status: criteria provided, single submitter. Criteria: Natera Variant Classification Schema (03/2026). Collection method: clinical testing. Allele origin: germline.
Comment: The c.672+1G>C variant in HEXA is a canonical splice donor site variant predicted to affect pre-mRNA splicing, which may result in an abnormal transcript and altered protein product. This variant is expected to result in nonsense mediated decay, truncation, or a dysfunctional protein product. This variant is rare in the general population with a frequency below the threshold expected for the associated phenotype(s). Another variant at this same site results in an alteration predicted to cause a similar molecular effect has been observed in individual(s) with the associated phenotype. Given the available evidence, this variant is classified as Pathogenic.

NM_000520.6(HEXA):c.672+1G>C

Gene: HEXA (hexosaminidase subunit alpha; minus strand). Cytogenetic location: 15q23.
Variant type: single nucleotide variant.
Coding change: c.672+1G>C on transcript NM_000520.6 (MANE Select); the canonical splice donor site of the intron after coding-DNA position 672, G replaced by C.
Molecular consequence: splice donor variant.
Genome position (GRCh38, 1-based): chr15:72,351,132, C>G on the plus strand (G>C on the coding strand, the complement: HEXA is on the minus strand). VCF-style: chr15-72351132-C-G. GRCh37 (hg19) VCF-style: chr15-72643473-C-G.
Other names: c.705+1G>C (NM_001318825.2).
Identifiers: ClinVar variation 4814270 (VCV004814270.1).
Genomic context (GRCh38, chr15:72,351,132, plus strand): 5'-GGGCCACAGCCAGATTCAGACATTGACCCATAAACTTGGTCTGAGTGAAACGGGAACATA[C>G]CTTTCTCATGAGCTCTGGAAAAGTGAAGCTCTCATATGGGAAGGAAGGATCATCTACCAG-3'